The following is an entry in ClinVar:

ClinVar aggregate classification (germline): Uncertain significance (1 of 4 stars; one submission).

Conditions:
Dilated cardiomyopathy 1G (CMD1G). Identifiers: Orphanet 154, MedGen C1858763, MONDO:0011400, OMIM 604145.
Autosomal recessive limb-girdle muscular dystrophy type 2J (LGMDR10). Also called: Limb-girdle muscular dystrophy, type 2J; MUSCULAR DYSTROPHY, LIMB-GIRDLE, AUTOSOMAL RECESSIVE 10. Identifiers: Orphanet 140922, MedGen C1837342, MONDO:0012127, OMIM 608807.

Allele frequency attached by ClinVar (database versions not stated): gnomAD exomes below 0.00001; TOPMed below 0.00001; gnomAD 0.00001.
gnomAD v4.1: 5 of 1,590,332 alleles (0.00031%); highest among the groups gnomAD compares: Non-Finnish European, 0.00034%; no homozygotes.

Submission:

Labcorp Genetics (formerly Invitae), Labcorp
Classification: Uncertain significance for Dilated cardiomyopathy 1G; Autosomal recessive limb-girdle muscular dystrophy type 2J. Last evaluated: 2024-02-24. Review status: criteria provided, single submitter. Criteria: Invitae Variant Classification Sherloc (09022015). Collection method: clinical testing. Allele origin: germline.
Comment: This sequence change falls in intron 286 of the TTN gene. It does not directly change the encoded amino acid sequence of the TTN protein. It affects a nucleotide within the consensus splice site. This variant is not present in population databases (gnomAD no frequency). This variant has not been reported in the literature in individuals affected with TTN-related conditions. ClinVar contains an entry for this variant (Variation ID: 1006334). Variants that disrupt the consensus splice site are a relatively common cause of aberrant splicing (PMID: 17576681, 9536098). Algorithms developed to predict the effect of sequence changes on RNA splicing suggest that this variant is not likely to affect RNA splicing. This variant is located in the A band of TTN (PMID: 25589632). Variants in this region may be relevant for cardiac or neuromuscular disorders (PMID: 25589632, 23975875). In summary, the available evidence is currently insufficient to determine the role of this variant in disease. Therefore, it has been classified as a Variant of Uncertain Significance.

Literature cited by the submitters: PubMed 17576681; PubMed 9536098; PubMed 25589632; PubMed 23975875.

NM_001267550.2(TTN):c.55432+3A>G

Genes: TTN (titin; minus strand), TTN-AS1 (TTN antisense RNA 1; plus strand). Cytogenetic location: 2q31.2.
Variant type: single nucleotide variant.
Coding change: c.55432+3A>G on transcript NM_001267550.2 (MANE Select); 3 bases into the intron after coding-DNA position 55432, A replaced by G.
Molecular consequence: intron variant.
Genome position (GRCh38, 1-based): chr2:178,601,655, T>C on the plus strand (A>G on the coding strand, the complement: TTN is on the minus strand). VCF-style: chr2-178601655-T-C. GRCh37 (hg19) VCF-style: chr2-179466382-T-C.
Other names: c.28237+3A>G (NM_003319.4); c.28813+3A>G (NM_133437.4); c.28612+3A>G (NM_133432.3); c.47728+3A>G (NM_133378.4); c.50509+3A>G (NM_001256850.1).
Identifiers: ClinVar variation 1006334 (VCV001006334.9), dbSNP rs1439287309, ClinGen allele CA761290859.
Genomic context (GRCh38, chr2:178,601,655, plus strand): 5'-GTTCCTTAAATGCTTAAAAATAATTTGTTTTTATTCTGTAGCAACTTTCAAAGTCTTTCT[T>C]ACCCATGACTTTAACTCTGCAATTTGCAGTCTTTTGTCCTGCTTTATTCTTGGCTGTGAT-3'